The following is an entry in ClinVar:

ClinVar aggregate classification (germline): Uncertain significance (1 of 4 stars; one submission).

Allele frequency attached by ClinVar (database versions not stated): gnomAD 0.00001.
gnomAD v4.1: 5 of 1,612,308 alleles (0.00031%); highest among the groups gnomAD compares: Non-Finnish European, 0.00042%; no homozygotes.

Submission:

Labcorp Genetics (formerly Invitae), Labcorp
Classification: Uncertain significance. Last evaluated: 2022-05-01. Review status: criteria provided, single submitter. Criteria: Invitae Variant Classification Sherloc (09022015). Collection method: clinical testing. Allele origin: germline.
Comment: In summary, the available evidence is currently insufficient to determine the role of this variant in disease. Therefore, it has been classified as a Variant of Uncertain Significance. Algorithms developed to predict the effect of missense changes on protein structure and function (SIFT, PolyPhen-2, Align-GVGD) all suggest that this variant is likely to be tolerated. This variant has not been reported in the literature in individuals affected with A2ML1-related conditions. This variant is present in population databases (no rsID available, gnomAD 0.007%). This sequence change replaces glutamic acid, which is acidic and polar, with glutamine, which is neutral and polar, at codon 606 of the A2ML1 protein (p.Glu606Gln).

NM_144670.6(A2ML1):c.1816G>C (p.Glu606Gln)

Gene: A2ML1 (alpha-2-macroglobulin like 1; plus strand). Cytogenetic location: 12p13.31.
Variant type: single nucleotide variant.
Coding change: c.1816G>C on transcript NM_144670.6 (MANE Select); coding-DNA position 1816, G replaced by C.
Protein change: p.Glu606Gln; replaces glutamic acid 606 with glutamine.
Molecular consequence: missense variant.
Genome position (GRCh38, 1-based): chr12:8,847,681, G>C. VCF-style: chr12-8847681-G-C. GRCh37 (hg19) VCF-style: chr12-9000277-G-C.
Other names: c.343G>C, p.Glu115Gln (NM_001282424.3); short protein forms E606Q, E115Q.
Identifiers: ClinVar variation 1929593 (VCV001929593.5), dbSNP rs1215716013, ClinGen allele CA383829907.